The following is an entry in ClinVar:

NM_020987.5(ANK3):c.6735C>T (p.His2245=)

Gene: ANK3 (ankyrin 3; minus strand). Cytogenetic location: 10q21.2.
Variant type: single nucleotide variant.
Coding change: c.6735C>T on transcript NM_020987.5 (MANE Select); coding-DNA position 6735, C replaced by T.
Protein change: p.His2245=; no amino-acid change (histidine 2245 retained).
Molecular consequence: synonymous variant. On other transcripts: intron variant (4).
Genome position (GRCh38, 1-based): chr10:60,074,146, G>A on the plus strand (C>T on the coding strand, the complement: ANK3 is on the minus strand). VCF-style: chr10-60074146-G-A. GRCh37 (hg19) VCF-style: chr10-61833904-G-A.
Other names: c.4388-6137C>T (NM_001204403.2); c.4409-6137C>T (NM_001204404.2); c.4406-6137C>T (NM_001320874.2); c.1808-6137C>T (NM_001149.4).
Identifiers: ClinVar variation 2640492 (VCV002640492.24), dbSNP rs750875750, ClinGen allele CA5511825.

ClinVar aggregate classification (germline): Likely benign (1 of 4 stars; one submission).

Allele frequency attached by ClinVar (database versions not stated): gnomAD exomes 0.00001; ExAC 0.00002; gnomAD 0.00002; TOPMed 0.00003.
gnomAD v4.1: 19 of 1,613,810 alleles (0.0012%); highest among the groups gnomAD compares: South Asian, 0.0022%; no homozygotes.

Submission:

CeGaT Center for Human Genetics Tuebingen
Classification: Likely benign. Last evaluated: 2023-01-01. Review status: criteria provided, single submitter. Criteria: CeGaT Center For Human Genetics Tuebingen Variant Classification Criteria Version 2. Collection method: clinical testing. Allele origin: germline. Affected: yes. Observed: 2 variant alleles.
Comment: ANK3: BP4, BP7